The following is an entry in ClinVar:

NM_206965.2(FTCD):c.1540A>G (p.Ile514Val)

Gene: FTCD (formimidoyltransferase cyclodeaminase; minus strand). Cytogenetic location: 21q22.3.
Variant type: single nucleotide variant.
Coding change: c.1540A>G on transcript NM_206965.2 (MANE Select); coding-DNA position 1540, A replaced by G.
Protein change: p.Ile514Val; replaces isoleucine 514 with valine.
Molecular consequence: missense variant. On other transcripts: intron variant (1).
Genome position (GRCh38, 1-based): chr21:46,137,073, T>C on the plus strand (A>G on the coding strand, the complement: FTCD is on the minus strand). VCF-style: chr21-46137073-T-C. GRCh37 (hg19) VCF-style: chr21-47556987-T-C.
Other names: c.1540A>G, p.Ile514Val (NM_006657.3); c.1540-20A>G (NM_001320412.2); short protein forms I514V.
Identifiers: ClinVar variation 975235 (VCV000975235.8), dbSNP rs369754449, ClinGen allele CA10073329.

ClinVar aggregate classification (germline): Conflicting classifications of pathogenicity. Review status: criteria provided, conflicting classifications (1 of 4 stars). 3 submissions from 3 submitters: Uncertain significance (1); Likely benign (1). 1 of the submissions does not count toward it. Last evaluated 2023-01-17.

Conditions:
Intellectual disability. Also called: intellectual disabilities; Intellectual developmental disorder; Intellectual functioning disability. Identifiers: MedGen C3714756, MeSH D008607, MONDO:0001071, HP:0001249.
Inborn genetic diseases. Identifiers: MedGen C0950123, MeSH D030342.
Glutamate formiminotransferase deficiency. Also called: Arakawa syndrome 1; Formiminoglutamic aciduria. Identifiers: Orphanet 51208, MedGen C0268609, MONDO:0009240, OMIM 229100.

Allele frequency attached by ClinVar (database versions not stated): gnomAD exomes 0.00005; TOPMed 0.00005; gnomAD 0.00005 and 0.00006; ExAC 0.00006; ESP Exome Variant Server 0.00023.
gnomAD v4.1: 143 of 1,613,658 alleles (0.0089%); highest among the groups gnomAD compares: Non-Finnish European, 0.012%; no homozygotes.

Submissions (3):

Ambry Genetics
Classification: Likely benign for Inborn genetic diseases. Last evaluated: 2023-01-17. Review status: criteria provided, single submitter. Criteria: Ambry Variant Classification Scheme 2023. Collection method: clinical testing. Allele origin: germline.

Labcorp Genetics (formerly Invitae), Labcorp
Classification: Uncertain significance for Glutamate formiminotransferase deficiency. Last evaluated: 2022-07-19. Review status: criteria provided, single submitter. Criteria: Invitae Variant Classification Sherloc (09022015). Collection method: clinical testing. Allele origin: germline.
Comment: ClinVar contains an entry for this variant (Variation ID: 975235). This variant has not been reported in the literature in individuals affected with FTCD-related conditions. This variant is present in population databases (rs369754449, gnomAD 0.01%). This sequence change replaces isoleucine, which is neutral and non-polar, with valine, which is neutral and non-polar, at codon 514 of the FTCD protein (p.Ile514Val). Algorithms developed to predict the effect of missense changes on protein structure and function output the following: SIFT: "Tolerated"; PolyPhen-2: "Benign"; Align-GVGD: "Class C0". The valine amino acid residue is found in multiple mammalian species, which suggests that this missense change does not adversely affect protein function. In summary, the available evidence is currently insufficient to determine the role of this variant in disease. Therefore, it has been classified as a Variant of Uncertain Significance. Algorithms developed to predict the effect of sequence changes on RNA splicing suggest that this variant may disrupt the consensus splice site.

Centre de Biologie Pathologie Génétique, Centre Hospitalier Universitaire de Lille
Classification: Likely benign for Intellectual disability. Last evaluated: 2019-01-01. Review status: no assertion criteria provided. Collection method: clinical testing. Allele origin: inherited. Affected: yes. Not counted in ClinVar's aggregate classification.